The following is an entry in ClinVar:

ClinVar aggregate classification (germline): Likely pathogenic (1 of 4 stars; one submission).

Conditions:
Nephrotic syndrome, IIa 26. Also called: Nephrotic syndrome, type 26. Identifiers: MedGen C5774221, MONDO:0031061, OMIM 620049.
Bent bone dysplasia syndrome 2 (BBDS2). Identifiers: MedGen C5774233, MONDO:0859573, OMIM 620076.

gnomAD v4.1: 5 of 1,612,938 alleles (0.00031%); highest among the groups gnomAD compares: Non-Finnish European, 0.00042%; no homozygotes.

Submission:

First Genomix Gene Laboratory, Genetic Diagnostics Department
Classification: Likely pathogenic for Bent bone dysplasia syndrome 2; Nephrotic syndrome, IIa 26. Last evaluated: 2025-07-10. Review status: criteria provided, single submitter. Criteria: ACMG Guidelines, 2015. Collection method: clinical testing. Allele origin: germline. Inheritance: Autosomal recessive inheritance. Affected: no. Observed: 1 variant allele.

NM_005560.6(LAMA5):c.1336C>T (p.Arg446Ter)

Gene: LAMA5 (laminin subunit alpha 5; minus strand). Cytogenetic location: 20q13.33.
Variant type: single nucleotide variant.
Coding change: c.1336C>T on transcript NM_005560.6 (MANE Select); coding-DNA position 1336, C replaced by T.
Protein change: p.Arg446Ter; replaces arginine 446 with a stop codon.
Molecular consequence: nonsense.
Genome position (GRCh38, 1-based): chr20:62,346,162, G>A on the plus strand (C>T on the coding strand, the complement: LAMA5 is on the minus strand). VCF-style: chr20-62346162-G-A. GRCh37 (hg19) VCF-style: chr20-60921218-G-A.
Other names: short protein forms R446*.
Identifiers: ClinVar variation 4849351 (VCV004849351.1).